The following is an entry in ClinVar:

NM_001161352.2(KCNMA1):c.3065C>T (p.Pro1022Leu)

Genes: KCNMA1 (potassium calcium-activated channel subfamily M alpha 1; minus strand), KCNMA1-AS1 (KCNMA1 antisense RNA 1; plus strand). Cytogenetic location: 10q22.3.
Variant type: single nucleotide variant.
Coding change: c.3065C>T on transcript NM_001161352.2 (MANE Select); coding-DNA position 3065, C replaced by T.
Protein change: p.Pro1022Leu; replaces proline 1022 with leucine.
Molecular consequence: missense variant.
Genome position (GRCh38, 1-based): chr10:76,910,048, G>A on the plus strand (C>T on the coding strand, the complement: KCNMA1 is on the minus strand). VCF-style: chr10-76910048-G-A. GRCh37 (hg19) VCF-style: chr10-78669806-G-A.
Other names: c.2903C>T, p.Pro968Leu (NM_001014797.3); c.3014C>T, p.Pro1005Leu (NM_001161353.2); c.2741C>T, p.Pro914Leu (NM_001271518.2); c.2981C>T, p.Pro994Leu (NM_001271519.2); c.2900C>T, p.Pro967Leu (NM_001322829.2, NM_001322836.2); c.2993C>T, p.Pro998Leu (NM_001322830.2); c.2891C>T, p.Pro964Leu (NM_001322832.2, NM_001410940.1, NM_002247.4); c.2984C>T, p.Pro995Leu (NM_001322835.2, NM_001322837.2); and 3 more; short protein forms P967L, P1008L, P964L, P998L, P1005L, P1022L, P994L, P995L.
Identifiers: ClinVar variation 4737436 (VCV004737436.2).

ClinVar aggregate classification (germline): Uncertain significance. Review status: criteria provided, multiple submitters, no conflicts (2 of 4 stars). 2 submissions from 2 submitters: Uncertain significance (2). Last evaluated 2025-08-29.

Conditions:
Generalized epilepsy-paroxysmal dyskinesia syndrome (PNKD3). Also called: Generalized epilepsy and paroxysmal dyskinesia; Paroxysmal nonkinesigenic dyskinesia, 3, with or without generalized epilepsy. Identifiers: Orphanet 79137, MedGen C5574945, MONDO:0012276, OMIM 609446.

Submissions (2):

Labcorp Genetics (formerly Invitae), Labcorp
Classification: Uncertain significance for Generalized epilepsy-paroxysmal dyskinesia syndrome. Last evaluated: 2025-08-29. Review status: criteria provided, single submitter. Criteria: Invitae Variant Classification Sherloc (09022015). Collection method: clinical testing. Allele origin: germline.
Comment: This sequence change replaces proline, which is neutral and non-polar, with leucine, which is neutral and non-polar, at codon 964 of the KCNMA1 protein (p.Pro964Leu). This variant is not present in population databases (gnomAD no frequency). This variant has not been reported in the literature in individuals affected with KCNMA1-related conditions. Invitae Evidence Modeling of protein sequence and biophysical properties (such as structural, functional, and spatial information, amino acid conservation, physicochemical variation, residue mobility, and thermodynamic stability) indicates that this missense variant is not expected to disrupt KCNMA1 protein function with a negative predictive value of 80%. In summary, the available evidence is currently insufficient to determine the role of this variant in disease. Therefore, it has been classified as a Variant of Uncertain Significance.

Blueprint Genetics
Classification: Uncertain significance. Last evaluated: 2023-09-25. Review status: criteria provided, single submitter. Criteria: ACMG Guidelines, 2015. Collection method: clinical testing. Allele origin: germline.